The following is an entry in ClinVar:

ClinVar aggregate classification (germline): Likely pathogenic (1 of 4 stars; one submission).

Conditions:
Polycystic kidney disease, adult type (PKD1). Also called: Polycystic Kidney, Autosomal Dominant; POLYCYSTIC KIDNEY DISEASE, ADULT, TYPE I; Polycystic Kidney Disease 1, Autosomal Dominant; Polycystic kidney disease 1; Polycystic kidney disease 1, severe; POLYCYSTIC KIDNEY DISEASE 1 WITH OR WITHOUT POLYCYSTIC LIVER DISEASE. Identifiers: MedGen C3149841, MONDO:0008263, OMIM 173900.

Submission:

Dasa
Classification: Likely pathogenic for Polycystic kidney disease, adult type. Last evaluated: 2025-07-18. Review status: criteria provided, single submitter. Criteria: DASA Assertion Criteria. Collection method: clinical testing. Allele origin: germline.
Comment: NM_001009944.3(PKD1):c.930_943del (p.Ser311Cysfs*55) is a frameshift variant in PKD1 predicted to alter the reading frame and introduce a premature termination codon and is predicted to result in an absent or altered protein product. Loss of function is an established disease mechanism for PKD1 (PMID: 25491204; PMID: 24694054; PMID: 29529603). Also, this variant is absent from population databases. Based on the currently available evidence, this variant is classified as likely pathogenic.

Literature cited by the submitters: PubMed 25491204; PubMed 24694054; PubMed 29529603.

NM_001009944.3(PKD1):c.930_943del (p.Ser311fs)

Gene: PKD1 (polycystin 1, transient receptor potential channel interacting; minus strand). Cytogenetic location: 16p13.3.
Variant type: Deletion.
Coding change: c.930_943del on transcript NM_001009944.3 (MANE Select); coding-DNA positions 930 to 943, 14 bases deleted (CTCCGCCGAGGTGG).
Protein change: p.Ser311fs; shifts the reading frame from serine 311.
Molecular consequence: frameshift variant.
Genome position (GRCh38, 1-based): chr16:2,118,049-2,118,062, CCACCTCGGCGGAG deleted on the plus strand (CTCCGCCGAGGTGG on the coding strand, the reverse complement: PKD1 is on the minus strand); deleting any 14 consecutive bases within chr16:2,118,049-2,118,064 gives the same sequence; the c. name uses the placement nearest the transcript's 3' end. VCF-style (leftmost placement, unchanged base first): chr16-2118048-TCCACCTCGGCGGAG-T. GRCh37 (hg19) VCF-style: chr16-2168049-TCCACCTCGGCGGAG-T.
Other names: c.930_943del, p.Ser311fs (NM_000296.4); short protein forms S311fs.
Identifiers: ClinVar variation 4880801 (VCV004880801.2).
Genomic context (GRCh38, chr16:2,118,048, plus strand): 5'-GCCGTCACGTGATAGCGCCCAGGCAGCACATAGCGATGCGAGGCAGCCGGCCCAGCGGCA[TCCACCTCGGCGGAG>T]CCGTCTCCGAAGTCCCAGCGTGTGGCAGTGACAGGGAGCGGGGCAGCGATGTGGAAGGCT-3'